The following is an entry in ClinVar:

ClinVar aggregate classification (germline): Uncertain significance (1 of 4 stars; one submission).

Submission:

Labcorp Genetics (formerly Invitae), Labcorp
Classification: Uncertain significance. Last evaluated: 2024-05-15. Review status: criteria provided, single submitter. Criteria: Invitae Variant Classification Sherloc (09022015). Collection method: clinical testing. Allele origin: germline.
Comment: This sequence change replaces isoleucine, which is neutral and non-polar, with valine, which is neutral and non-polar, at codon 735 of the FBXO11 protein (p.Ile735Val). This variant is not present in population databases (gnomAD no frequency). This variant has not been reported in the literature in individuals affected with FBXO11-related conditions. An algorithm developed to predict the effect of missense changes on protein structure and function (PolyPhen-2) suggests that this variant is likely to be disruptive. In summary, the available evidence is currently insufficient to determine the role of this variant in disease. Therefore, it has been classified as a Variant of Uncertain Significance.

NM_001190274.2(FBXO11):c.2203A>G (p.Ile735Val)

Gene: FBXO11 (F-box protein 11; minus strand). Cytogenetic location: 2p16.3.
Variant type: single nucleotide variant.
Coding change: c.2203A>G on transcript NM_001190274.2 (MANE Select); coding-DNA position 2203, A replaced by G.
Protein change: p.Ile735Val; replaces isoleucine 735 with valine.
Molecular consequence: missense variant.
Genome position (GRCh38, 1-based): chr2:47,813,258, T>C on the plus strand (A>G on the coding strand, the complement: FBXO11 is on the minus strand). VCF-style: chr2-47813258-T-C. GRCh37 (hg19) VCF-style: chr2-48040397-T-C.
Other names: c.1951A>G, p.Ile651Val (NM_001374325.1, NM_025133.4); short protein forms I735V, I651V.
Identifiers: ClinVar variation 2993506 (VCV002993506.3), dbSNP rs2531002884, ClinGen allele CA346763204.